The following is an entry in ClinVar:

NM_000492.4(CFTR):c.2402A>T (p.Asn801Ile)

Gene: CFTR (CF transmembrane conductance regulator; plus strand). Cytogenetic location: 7q31.2.
Variant type: single nucleotide variant.
Coding change: c.2402A>T on transcript NM_000492.4 (MANE Select); coding-DNA position 2402, A replaced by T.
Protein change: p.Asn801Ile; replaces asparagine 801 with isoleucine.
Molecular consequence: missense variant.
Genome position (GRCh38, 1-based): chr7:117,592,569, A>T. VCF-style: chr7-117592569-A-T. GRCh37 (hg19) VCF-style: chr7-117232623-A-T.
Other names: short protein forms N801I.
Identifiers: ClinVar variation 1790748 (VCV001790748.2), dbSNP rs1562908192, ClinGen allele CA368981146.
Genomic context (GRCh38, chr7:117,592,569, plus strand): 5'-AGAACATTCACCGAAAGACAACAGCATCCACACGAAAAGTGTCACTGGCCCCTCAGGCAA[A>T]CTTGACTGAACTGGATATATATTCAAGAAGGTTATCTCAAGAAACTGGCTTGGAAATAAG-3'
Protein context (NP_000483.3, residues 791-811): TRKVSLAPQA[Asn801Ile]LTELDIYSRR

ClinVar aggregate classification (germline): Uncertain significance (1 of 4 stars; one submission).

Conditions:
Cystic fibrosis (CF). Also called: MUCOVISCIDOSIS. Identifiers: Orphanet 586, MedGen C0010674, MONDO:0009061, OMIM 219700. Disease mechanism: loss of function.

Allele frequency attached by ClinVar (database versions not stated): gnomAD exomes below 0.00001.
gnomAD v4.1: 1 of 1,523,290 alleles (0.000066%); highest among the groups gnomAD compares: Non-Finnish European, 0.000088%; no homozygotes.

Submission:

Ambry Genetics
Classification: Uncertain significance for Cystic fibrosis. Last evaluated: 2021-10-26. Review status: criteria provided, single submitter. Criteria: Ambry Variant Classification Scheme 2023. Collection method: clinical testing. Allele origin: germline.
Comment: The p.N801I variant (also known as c.2402A>T), located in coding exon 14 of the CFTR gene, results from an A to T substitution at nucleotide position 2402. The asparagine at codon 801 is replaced by isoleucine, an amino acid with dissimilar properties. This amino acid position is conserved. In addition, the in silico prediction for this alteration is inconclusive. Since supporting evidence is limited at this time, the clinical significance of this alteration remains unclear.